The following is an entry in ClinVar:

ClinVar aggregate classification (germline): Uncertain significance (1 of 4 stars; one submission).

Allele frequency attached by ClinVar (database versions not stated): gnomAD 0.00001.

Submission:

Labcorp Genetics (formerly Invitae), Labcorp
Classification: Uncertain significance. Last evaluated: 2022-08-13. Review status: criteria provided, single submitter. Criteria: Invitae Variant Classification Sherloc (09022015). Collection method: clinical testing. Allele origin: germline.
Comment: In summary, the available evidence is currently insufficient to determine the role of this variant in disease. Therefore, it has been classified as a Variant of Uncertain Significance. Experimental studies and prediction algorithms are not available or were not evaluated, and the functional significance of this variant is currently unknown. ClinVar contains an entry for this variant (Variation ID: 1425407). This variant has not been reported in the literature in individuals affected with SLC46A1-related conditions. This variant is not present in population databases (gnomAD no frequency). This sequence change replaces arginine, which is basic and polar, with histidine, which is basic and polar, at codon 246 of the SLC46A1 protein (p.Arg246His).

NM_080669.6(SLC46A1):c.737G>A (p.Arg246His)

Gene: SLC46A1 (solute carrier family 46 member 1; minus strand). Cytogenetic location: 17q11.2.
Variant type: single nucleotide variant.
Coding change: c.737G>A on transcript NM_080669.6 (MANE Select); coding-DNA position 737, G replaced by A.
Protein change: p.Arg246His; replaces arginine 246 with histidine.
Molecular consequence: missense variant.
Genome position (GRCh38, 1-based): chr17:28,404,960, C>T on the plus strand (G>A on the coding strand, the complement: SLC46A1 is on the minus strand). VCF-style: chr17-28404960-C-T. GRCh37 (hg19) VCF-style: chr17-26731978-C-T.
Other names: c.737G>A, p.Arg246His (NM_001242366.3); short protein forms R246H.
Identifiers: ClinVar variation 1425407 (VCV001425407.5), dbSNP rs782222724, ClinGen allele CA398348834.